The following is an entry in ClinVar:

NM_014633.5(CTR9):c.3139G>A (p.Glu1047Lys)

Gene: CTR9 (CTR9 component of Paf1/RNA polymerase II complex; plus strand). Cytogenetic location: 11p15.4.
Variant type: single nucleotide variant.
Coding change: c.3139G>A on transcript NM_014633.5 (MANE Select); coding-DNA position 3139, G replaced by A.
Protein change: p.Glu1047Lys; replaces glutamic acid 1047 with lysine.
Molecular consequence: missense variant.
Genome position (GRCh38, 1-based): chr11:10,778,722, G>A. VCF-style: chr11-10778722-G-A. GRCh37 (hg19) VCF-style: chr11-10800269-G-A.
Other names: c.3067G>A, p.Glu1023Lys (NM_001346279.2); short protein forms E1023K, E1047K.
Identifiers: ClinVar variation 1464406 (VCV001464406.6), dbSNP rs567678481, ClinGen allele CA5885525.

ClinVar aggregate classification (germline): Uncertain significance (1 of 4 stars; one submission).

gnomAD v4.1: 22 of 1,613,904 alleles (0.0014%); highest among the groups gnomAD compares: Middle Eastern, 0.05%; no homozygotes.

Submission:

Labcorp Genetics (formerly Invitae), Labcorp
Classification: Uncertain significance. Last evaluated: 2023-11-29. Review status: criteria provided, single submitter. Criteria: Invitae Variant Classification Sherloc (09022015). Collection method: clinical testing. Allele origin: germline.
Comment: This sequence change replaces glutamic acid, which is acidic and polar, with lysine, which is basic and polar, at codon 1047 of the CTR9 protein (p.Glu1047Lys). This variant is present in population databases (rs567678481, gnomAD 0.003%). This variant has not been reported in the literature in individuals affected with CTR9-related conditions. ClinVar contains an entry for this variant (Variation ID: 1464406). An algorithm developed to predict the effect of missense changes on protein structure and function (PolyPhen-2) suggests that this variant is likely to be tolerated. In summary, the available evidence is currently insufficient to determine the role of this variant in disease. Therefore, it has been classified as a Variant of Uncertain Significance.